The following is an entry in ClinVar:

ClinVar aggregate classification (germline): Uncertain significance (1 of 4 stars; one submission).

Allele frequency attached by ClinVar (database versions not stated): gnomAD exomes below 0.00001.
gnomAD v4.1: 1 of 1,613,492 alleles (0.000062%); highest among the groups gnomAD compares: East Asian, 0.0022%; no homozygotes.

Submission:

Ambry Genetics
Classification: Uncertain significance. Last evaluated: 2024-02-02. Review status: criteria provided, single submitter. Criteria: Ambry Variant Classification Scheme 2023. Collection method: clinical testing. Allele origin: germline.
Comment: The p.R874T variant (also known as c.2621G>C), located in coding exon 14 of the PALLD gene, results from a G to C substitution at nucleotide position 2621. The arginine at codon 874 is replaced by threonine, an amino acid with similar properties. This amino acid position is conserved. In addition, this alteration is predicted to be deleterious by in silico analysis. Based on the available evidence, the clinical significance of this alteration remains unclear.

NM_001166108.2(PALLD):c.2672G>C (p.Arg891Thr)

Genes: CBR4 (carbonyl reductase 4; minus strand), PALLD (palladin, cytoskeletal associated protein; plus strand). Cytogenetic location: 4q32.3.
Variant type: single nucleotide variant.
Coding change: c.2672G>C on transcript NM_001166108.2 (MANE Select); coding-DNA position 2672, G replaced by C.
Protein change: p.Arg891Thr; replaces arginine 891 with threonine.
Molecular consequence: missense variant.
Genome position (GRCh38, 1-based): chr4:168,913,976, G>C. VCF-style: chr4-168913976-G-C. GRCh37 (hg19) VCF-style: chr4-169835127-G-C.
Other names: c.1475G>C, p.Arg492Thr (NM_001166109.2); c.1160G>C, p.Arg387Thr (NM_001166110.2); c.500G>C, p.Arg167Thr (NM_001367567.1, NM_001367569.1); c.551G>C, p.Arg184Thr (NM_001367568.1, NM_001367570.1); c.2621G>C, p.Arg874Thr (NM_016081.4); short protein forms R167T, R184T, R387T, R492T, R874T, R891T.
Identifiers: ClinVar variation 3226780 (VCV003226780.1), dbSNP rs1276023130, ClinGen allele CA358705120.